The following is an entry in ClinVar:

ClinVar aggregate classification (germline): Uncertain significance. Review status: criteria provided, multiple submitters, no conflicts (2 of 4 stars). 4 submissions from 4 submitters: Uncertain significance (3). 1 of the submissions does not count toward it. Last evaluated 2024-06-02.

Conditions:
PLEC-related disorder. Also called: PLEC-related disorders; PLEC-related condition.
Epidermolysis bullosa simplex 5B, with muscular dystrophy (EBS5B). Also called: Epidermolysis bullosa simplex with muscular dystrophy; EPIDERMOLYSIS BULLOSA SIMPLEX AND LIMB-GIRDLE MUSCULAR DYSTROPHY. Identifiers: Orphanet 257, MedGen C2931072, MONDO:0009181, OMIM 226670.
Epidermolysis bullosa simplex, Ogna type (EBS5A). Also called: Pidermolysis bullosa simplex 5A, Ogna type; EPIDERMOLYSIS BULLOSA SIMPLEX 5A, OGNA TYPE. Identifiers: Orphanet 79401, MedGen C0432317, MONDO:0007555, OMIM 131950.
Epidermolysis bullosa simplex 5C, with pyloric atresia (EBS5C). Also called: PLEC-Related Epidermolysis Bullosa with Pyloric Atresia; Epidermolysis bullosa simplex with pyloric atresia; PLEC1-Related Epidermolysis Bullosa with Pyloric Atresia. Identifiers: Orphanet 158684, MedGen C2677349, MONDO:0012807, OMIM 612138.
Autosomal recessive limb-girdle muscular dystrophy type 2Q (LGMDR17). Also called: MUSCULAR DYSTROPHY, LIMB-GIRDLE, AUTOSOMAL RECESSIVE 17. Identifiers: Orphanet 254361, MedGen C3150989, MONDO:0013390, OMIM 613723.
Epidermolysis bullosa simplex with nail dystrophy (EBS5D). Identifiers: MedGen C4225309, MONDO:0014661, OMIM 616487.

Allele frequency attached by ClinVar (database versions not stated): ESP Exome Variant Server 0.00008; gnomAD 0.00013; 1000 Genomes Project 30x 0.00016; 1000 Genomes Project 0.00020; TOPMed 0.00020.
gnomAD v4.1: 83 of 1,611,022 alleles (0.0052%); highest among the groups gnomAD compares: East Asian, 0.071%; no homozygotes.

Submissions (4):

Labcorp Genetics (formerly Invitae), Labcorp
Classification: Uncertain significance for Autosomal recessive limb-girdle muscular dystrophy type 2Q; Epidermolysis bullosa simplex, Ogna type; Epidermolysis bullosa simplex with nail dystrophy; Epidermolysis bullosa simplex 5C, with pyloric atresia; Epidermolysis bullosa simplex 5B, with muscular dystrophy. Last evaluated: 2024-06-02. Review status: criteria provided, single submitter. Criteria: Invitae Variant Classification Sherloc (09022015). Collection method: clinical testing. Allele origin: germline.
Comment: This sequence change replaces arginine, which is basic and polar, with histidine, which is basic and polar, at codon 2425 of the PLEC protein (p.Arg2425His). This variant is present in population databases (rs368343687, gnomAD 0.1%). This variant has not been reported in the literature in individuals affected with PLEC-related conditions. ClinVar contains an entry for this variant (Variation ID: 594752). Advanced modeling of protein sequence and biophysical properties (such as structural, functional, and spatial information, amino acid conservation, physicochemical variation, residue mobility, and thermodynamic stability) performed at Invitae indicates that this missense variant is not expected to disrupt PLEC protein function with a negative predictive value of 80%. In summary, the available evidence is currently insufficient to determine the role of this variant in disease. Therefore, it has been classified as a Variant of Uncertain Significance.

Revvity Omics, Revvity
Classification: Uncertain significance. Last evaluated: 2019-11-07. Review status: criteria provided, single submitter. Criteria: ACMG Guidelines, 2015. Collection method: clinical testing. Allele origin: germline.

Eurofins Ntd Llc (ga)
Classification: Uncertain significance. Last evaluated: 2017-11-07. Review status: criteria provided, single submitter. Criteria: EGL Classification Definitions 2015. Collection method: clinical testing. Allele origin: germline. Observed: 1 variant allele, 1 heterozygote.

PreventionGenetics, part of Exact Sciences
Classification: Likely benign for PLEC-related condition. Last evaluated: 2024-06-27. Review status: no assertion criteria provided. Collection method: clinical testing. Allele origin: germline. Not counted in ClinVar's aggregate classification.
Comment: This variant is classified as likely benign based on ACMG/AMP sequence variant interpretation guidelines (Richards et al. 2015 PMID: 25741868, with internal and published modifications).

NM_201384.3(PLEC):c.7193G>A (p.Arg2398His)

Gene: PLEC (plectin; minus strand). Cytogenetic location: 8q24.3.
Variant type: single nucleotide variant.
Coding change: c.7193G>A on transcript NM_201384.3 (MANE Select); coding-DNA position 7193, G replaced by A.
Protein change: p.Arg2398His; replaces arginine 2398 with histidine.
Molecular consequence: missense variant.
Genome position (GRCh38, 1-based): chr8:143,922,736, C>T on the plus strand (G>A on the coding strand, the complement: PLEC is on the minus strand). VCF-style: chr8-143922736-C-T. GRCh37 (hg19) VCF-style: chr8-144996904-C-T.
Other names: c.7274G>A, p.Arg2425His (NM_000445.5); c.7151G>A, p.Arg2384His (NM_201378.4); c.7127G>A, p.Arg2376His (NM_201379.3); c.7604G>A, p.Arg2535His (NM_201380.4); c.7097G>A, p.Arg2366His (NM_201381.3); c.7193G>A, p.Arg2398His (NM_201382.4); c.7205G>A, p.Arg2402His (NM_201383.3); c.7274G>A (NM_000445.3); short protein forms R2366H, R2376H, R2402H, R2425H, R2535H, R2384H, R2398H.
Identifiers: ClinVar variation 594752 (VCV000594752.14), dbSNP rs368343687, ClinGen allele CA4925733.